The following is an entry in ClinVar:

ClinVar aggregate classification (germline): Pathogenic (1 of 4 stars; one submission).

Conditions:
Peutz-Jeghers syndrome (PJS). Also called: Peutz-Jeghers polyposis; Periorificial lentiginosis syndrome; POLYPOSIS, HAMARTOMATOUS INTESTINAL; POLYPS-AND-SPOTS SYNDROME. Identifiers: Orphanet 2869, MedGen C0031269, MeSH D010580, MONDO:0008280, OMIM 175200.

Submission:

Labcorp Genetics (formerly Invitae), Labcorp
Classification: Pathogenic for Peutz-Jeghers syndrome. Last evaluated: 2025-10-30. Review status: criteria provided, single submitter. Criteria: Invitae Variant Classification Sherloc (09022015). Collection method: clinical testing. Allele origin: germline.
Comment: This sequence change inserts a large fragment of DNA, likely a transposable element, in exon 1 of the STK11 gene (c.246_247ins?), causing a frameshift at codon 83 (p.Lys83fs). The exact size and sequence of the insertion cannot be determined by the current assay. However, the insertion is expected to result in an absent or disrupted protein product. This variant is not present in population databases (gnomAD no frequency). This variant has not been reported in the literature in individuals affected with STK11-related conditions. Retrotransposon insertions including LINE1 (L1), Alu, and SVA (SINE-VNTR-Alu) have been reported to be disease-causing through disruption of either a coding region or splice site (PMID: 19763152, 20307669, 22406018) and loss-of-function variants in STK11 are known to be pathogenic (PMID: 15188174, 16287113). For these reasons, this variant has been classified as Pathogenic.

Literature cited by the submitters: PubMed 19763152; PubMed 20307669; PubMed 22406018; PubMed 15188174; PubMed 16287113.

NM_000455.5(STK11):c.246_247insGCCGGGCGCGGTGGCTCACGCCTGTAATCCCAGCTCTCAGGGAGGCTAAGAGGCGGGAGGATAGCTTGAGCCNNNNNNNNNNAAAAAAAAAAAAAAAAAAAAAAGATCCTCAAGAAG (p.Lys83delinsAlaGlyArgGlyGlySerArgLeuTer)

Gene: STK11 (serine/threonine kinase 11; plus strand). Cytogenetic location: 19p13.3.
Variant type: Insertion.
Coding change: c.246_247insGCCGGGCGCGGTGGCTCACGCCTGTAATCCCAGCTCTCAGGGAGGCTAAGAGGCGGGAGGATAGCTTGAGCCNNNNNNNNNNAAAAAAAAAAAAAAAAAAAAAAGATCCTCAAGAAG on transcript NM_000455.5 (MANE Select); coding-DNA positions 246 to 247, GCCGGGCGCGGTGGCTCACGCCTGTAATCCCAGCTCTCAGGGAGGCTAAGAGGCGGGAGGATAGCTTGAGCCNNNNNNNNNNAAAAAAAAAAAAAAAAAAAAAAGATCCTCAAGAAG inserted.
Protein change: p.Lys83delinsAlaGlyArgGlyGlySerArgLeuTer.
Molecular consequence: nonsense. On other transcripts: non-coding transcript variant (1).
Genome position: GRCh38: chr19:1,207,159-1,207,160. GRCh37 (hg19): chr19:1,207,158-1,207,159.
Other names: c.246_247insGCCGGGCGCGGTGGCTCACGCCTGTAATCCCAGCTCTCAGGGAGGCTAAGAGGCGGGAGGATAGCTTGAGCCNNNNNNNNNNAAAAAAAAAAAAAAAAAAAAAAGATCCTCAAGAAG, p.Lys83delinsAlaGlyArgGlyGlySerArgLeuTer (NM_001407255.1).
Identifiers: ClinVar variation 4730241 (VCV004730241.1).